The following is an entry in ClinVar:

ClinVar aggregate classification (germline): Uncertain significance. Review status: criteria provided, multiple submitters, no conflicts (2 of 4 stars). 3 submissions from 3 submitters: Uncertain significance (2). 1 of the submissions does not count toward it. Last evaluated 2023-03-27.

Conditions:
VPS13B-related disorder. Also called: VPS13B-related condition.
Cohen syndrome (COH1). Also called: Cutis verticis gyrata, retinitis pigmentosa, and sensorineural deafness; PEPPER SYNDROME. Identifiers: Orphanet 193, MedGen C0265223, MONDO:0008999, OMIM 216550.

Allele frequency attached by ClinVar (database versions not stated): ExAC 0.00001; gnomAD exomes 0.00001.
gnomAD v4.1: 12 of 1,614,072 alleles (0.00074%); highest among the groups gnomAD compares: South Asian, 0.0011%; no homozygotes.

Submissions (3):

Blueprint Genetics
Classification: Uncertain significance. Last evaluated: 2023-03-27. Review status: criteria provided, single submitter. Criteria: ACMG Guidelines, 2015. Collection method: clinical testing. Allele origin: germline.

Labcorp Genetics (formerly Invitae), Labcorp
Classification: Uncertain significance for Cohen syndrome. Last evaluated: 2022-08-31. Review status: criteria provided, single submitter. Criteria: Invitae Variant Classification Sherloc (09022015). Collection method: clinical testing. Allele origin: germline.
Comment: This sequence change replaces valine, which is neutral and non-polar, with glutamic acid, which is acidic and polar, at codon 2421 of the VPS13B protein (p.Val2421Glu). This variant is present in population databases (rs754410472, gnomAD 0.003%). This variant has not been reported in the literature in individuals affected with VPS13B-related conditions. ClinVar contains an entry for this variant (Variation ID: 1404676). Algorithms developed to predict the effect of missense changes on protein structure and function are either unavailable or do not agree on the potential impact of this missense change (SIFT: "Not Available"; PolyPhen-2: "Possibly Damaging"; Align-GVGD: "Not Available"). In summary, the available evidence is currently insufficient to determine the role of this variant in disease. Therefore, it has been classified as a Variant of Uncertain Significance.

PreventionGenetics, part of Exact Sciences
Classification: Uncertain significance for VPS13B-related condition. Last evaluated: 2023-12-27. Review status: no assertion criteria provided. Collection method: clinical testing. Allele origin: germline. Not counted in ClinVar's aggregate classification.
Comment: The VPS13B c.7187T>A variant is predicted to result in the amino acid substitution p.Val2396Glu. To our knowledge, this variant has not been reported in the literature. This variant is reported in 0.0033% of alleles in individuals of South Asian descent in gnomAD. At this time, the clinical significance of this variant is uncertain due to the absence of conclusive functional and genetic evidence.

NM_152564.5(VPS13B):c.7187T>A (p.Val2396Glu)

Gene: VPS13B (vacuolar protein sorting 13 homolog B; plus strand). Cytogenetic location: 8q22.2.
Variant type: single nucleotide variant.
Coding change: c.7187T>A on transcript NM_152564.5 (MANE Select); coding-DNA position 7187, T replaced by A.
Protein change: p.Val2396Glu; replaces valine 2396 with glutamic acid.
Molecular consequence: missense variant.
Genome position (GRCh38, 1-based): chr8:99,766,910, T>A. VCF-style: chr8-99766910-T-A. GRCh37 (hg19) VCF-style: chr8-100779138-T-A.
Other names: c.7187T>A (NM_152564.4); c.7262T>A, p.Val2421Glu (NM_017890.5); short protein forms V2421E, V2396E.
Identifiers: ClinVar variation 1404676 (VCV001404676.6), dbSNP rs754410472, ClinGen allele CA4824163.
Genomic context (GRCh38, chr8:99,766,910, plus strand): 5'-GCAAAGTTTGTGAACTGCAGTTGCCGGATATCAATCTCGTGAATGACCAGAAGAAATTAG[T>A]ATCTTCAGATCTTTGGAGAATTGTCTTGAACAGCAGTCAAAATGGAGCTGATGACCAAAG-3'
Protein context (NP_689777.3, residues 2386-2406): INLVNDQKKL[Val2396Glu]SSDLWRIVLN